The following is an entry in ClinVar:

ClinVar aggregate classification (germline): Benign (1 of 4 stars; one submission).

Allele frequency attached by ClinVar (database versions not stated): gnomAD exomes 0.00549; gnomAD 0.05934 and 0.06369; 1000 Genomes Project 0.06150; TOPMed 0.06585; 1000 Genomes Project 30x 0.06777.
gnomAD v4.1: 11,598 of 589,564 alleles (2%); highest among the groups gnomAD compares: African/African-American, 20%; 1,112 homozygotes.

Submission:

GeneDx
Classification: Benign. Last evaluated: 2018-06-16. Review status: criteria provided, single submitter. Criteria: GeneDx Variant Classification (06012015). Collection method: clinical testing. Allele origin: germline. Affected: yes.
Comment: This variant is considered likely benign or benign based on one or more of the following criteria: it is a conservative change, it occurs at a poorly conserved position in the protein, it is predicted to be benign by multiple in silico algorithms, and/or has population frequency not consistent with disease.

NM_001195518.2(MICU1):c.331-136T>G

Gene: MICU1 (mitochondrial calcium uptake 1; minus strand). Cytogenetic location: 10q22.1.
Variant type: single nucleotide variant.
Coding change: c.331-136T>G on transcript NM_001195518.2 (MANE Select); 136 bases into the intron before coding-DNA position 331, T replaced by G.
Molecular consequence: intron variant.
Genome position (GRCh38, 1-based): chr10:72,551,477, A>C on the plus strand (T>G on the coding strand, the complement: MICU1 is on the minus strand). VCF-style: chr10-72551477-A-C. GRCh37 (hg19) VCF-style: chr10-74311235-A-C.
Other names: c.331-136T>G (NM_006077.4, NM_001363513.2).
Identifiers: ClinVar variation 675540 (VCV000675540.1), dbSNP rs58912299, ClinGen allele CA209804370.